The following is an entry in ClinVar:

NM_000168.6(GLI3):c.3001G>A (p.Gly1001Ser)

Gene: GLI3 (GLI family zinc finger 3; minus strand). Cytogenetic location: 7p14.1.
Variant type: single nucleotide variant.
Coding change: c.3001G>A on transcript NM_000168.6 (MANE Select); coding-DNA position 3001, G replaced by A.
Protein change: p.Gly1001Ser; replaces glycine 1001 with serine.
Molecular consequence: missense variant.
Genome position (GRCh38, 1-based): chr7:41,966,072, C>T on the plus strand (G>A on the coding strand, the complement: GLI3 is on the minus strand). VCF-style: chr7-41966072-C-T. GRCh37 (hg19) VCF-style: chr7-42005670-C-T.
Other names: short protein forms G1001S.
Identifiers: ClinVar variation 255434 (VCV000255434.27), dbSNP rs202182779, ClinGen allele CA4230476.

ClinVar aggregate classification (germline): Benign/Likely benign. Review status: criteria provided, multiple submitters, no conflicts (2 of 4 stars). 11 submissions from 9 submitters: Benign (3); Likely benign (5). 3 of the submissions do not count toward it. Last evaluated 2025-07-13.

Conditions:
GLI3-related disorder. Also called: GLI3-related condition; GLI3-related disorders. Identifiers: MedGen CN239292.
Inborn genetic diseases. Identifiers: MedGen C0950123, MeSH D030342.
Polydactyly. Also called: polydactylism. Identifiers: MedGen C0152427, MONDO:0021003, OMIM 603596, HP:0010442.
Greig cephalopolysyndactyly syndrome (GCPS). Also called: GLI3-Related Greig Cephalopolysyndactyly Syndrome; POLYSYNDACTYLY WITH PECULIAR SKULL SHAPE; Greig syndrome. Identifiers: Orphanet 380, MedGen C0265306, MONDO:0008287, OMIM 175700.
Pallister-Hall syndrome (PHS). Also called: HYPOTHALAMIC HAMARTOBLASTOMA, HYPOPITUITARISM, IMPERFORATE ANUS, AND POSTAXIAL POLYDACTYLY; GLI3-Related Pallister-Hall Syndrome. Identifiers: Orphanet 672, MedGen C0265220, MONDO:0007804, OMIM 146510.

Allele frequency attached by ClinVar (database versions not stated): ESP Exome Variant Server 0.00027; TOPMed 0.00053; gnomAD 0.00054; ExAC 0.00067.
gnomAD v4.1: 1,629 of 1,571,886 alleles (0.1%); highest among the groups gnomAD compares: Non-Finnish European, 0.13%; 1 homozygote.

Submissions (11):

Labcorp Genetics (formerly Invitae), Labcorp
Classification: Likely benign for Pallister-Hall syndrome; Greig cephalopolysyndactyly syndrome. Last evaluated: 2025-07-13. Review status: criteria provided, single submitter. Criteria: Invitae Variant Classification Sherloc (09022015). Collection method: clinical testing. Allele origin: germline.

Blueprint Genetics
Classification: Likely benign. Last evaluated: 2024-09-05. Review status: criteria provided, single submitter. Criteria: ACMG Guidelines, 2015. Collection method: clinical testing. Allele origin: germline.

GeneDx
Classification: Likely benign. Last evaluated: 2021-06-06. Review status: criteria provided, single submitter. Criteria: GeneDx Variant Classification Process June 2021. Collection method: clinical testing. Allele origin: germline. Affected: yes.

Ambry Genetics
Classification: Likely benign for Inborn genetic diseases. Last evaluated: 2021-05-17. Review status: criteria provided, single submitter. Criteria: Ambry Variant Classification Scheme 2023. Collection method: clinical testing. Allele origin: germline.

Illumina Laboratory Services, Illumina
Classification: Benign for Polydactyly. Last evaluated: 2018-01-13. Review status: criteria provided, single submitter. Criteria: ICSL Variant Classification Criteria 13 December 2019. Collection method: clinical testing. Allele origin: germline.
Comment: This variant was observed in the ICSL laboratory as part of a predisposition screen in an ostensibly healthy population. It had not been previously curated by ICSL or reported in the Human Gene Mutation Database (HGMD: prior to June 1st, 2018), and was therefore a candidate for classification through an automated scoring system. Utilizing variant allele frequency, disease prevalence and penetrance estimates, and inheritance mode, an automated score was calculated to assess if this variant is too frequent to cause the disease. Based on the score and internal cut-off values, a variant classified as benign is not then subjected to further curation. The score for this variant resulted in a classification of benign for this disease.

Illumina Laboratory Services, Illumina
Classification: Benign for Greig cephalopolysyndactyly syndrome. Last evaluated: 2018-01-13. Review status: criteria provided, single submitter. Criteria: ICSL Variant Classification Criteria 13 December 2019. Collection method: clinical testing. Allele origin: germline.
Comment: the same text as in the submission from Illumina Laboratory Services, Illumina above.

Illumina Laboratory Services, Illumina
Classification: Benign for Pallister-Hall syndrome. Last evaluated: 2018-01-13. Review status: criteria provided, single submitter. Criteria: ICSL Variant Classification Criteria 13 December 2019. Collection method: clinical testing. Allele origin: germline.
Comment: the same text as in the submission from Illumina Laboratory Services, Illumina above.

Genetic Services Laboratory, University of Chicago
Classification: Likely benign. Last evaluated: 2016-01-11. Review status: criteria provided, single submitter. Criteria: ACMG Guidelines, 2015. Collection method: clinical testing. Allele origin: germline. Affected: no.

PreventionGenetics, part of Exact Sciences
Classification: Likely benign for GLI3-related condition. Last evaluated: 2019-05-16. Review status: no assertion criteria provided. Collection method: clinical testing. Allele origin: germline. Not counted in ClinVar's aggregate classification.
Comment: This variant is classified as likely benign based on ACMG/AMP sequence variant interpretation guidelines (Richards et al. 2015 PMID: 25741868, with internal and published modifications).

Clinical Genetics DNA and cytogenetics Diagnostics Lab, Erasmus MC, Erasmus Medical Center
Classification: Likely benign. Review status: no assertion criteria provided. Collection method: clinical testing. Allele origin: germline. Affected: yes. Study: VKGL Data-share Consensus. Not counted in ClinVar's aggregate classification.

Laboratory of Diagnostic Genome Analysis, Leiden University Medical Center (LUMC)
Classification: Likely benign. Review status: no assertion criteria provided. Collection method: clinical testing. Allele origin: germline. Affected: yes. Study: VKGL Data-share Consensus. Not counted in ClinVar's aggregate classification.